The following is an entry in ClinVar:

NM_001039660.2(IL18BP):c.446_448del (p.Ser149del)

Gene: IL18BP (interleukin 18 binding protein; plus strand). Cytogenetic location: 11q13.4.
Variant type: Deletion.
Coding change: c.446_448del on transcript NM_001039660.2 (MANE Select); coding-DNA positions 446 to 448, 3 bases deleted (CCT; older notation c.446_448delCCT).
Protein change: p.Ser149del; deletes serine 149.
Molecular consequence: inframe deletion. On other transcripts: intron variant (2).
Genome position (GRCh38, 1-based): chr11:72,001,491-72,001,493, CCT deleted; deleting any 3 consecutive bases within chr11:72,001,489-72,001,493 gives the same sequence; the c. name uses the placement nearest the transcript's 3' end. VCF-style (leftmost placement, unchanged base first): chr11-72001488-TCTC-T. GRCh37 (hg19) VCF-style: chr11-71712534-TCTC-T.
Other names: c.446_448del, p.Ser149del (NM_001039659.2, NM_001145057.1, NM_005699.3 and 1 more transcripts); c.379+67_379+69del (NM_173044.3); c.236-293_236-291del (NM_001145055.1); short protein forms S149del.
Identifiers: ClinVar variation 2740754 (VCV002740754.3), dbSNP rs749955452, ClinGen allele CA6166244.

ClinVar aggregate classification (germline): Uncertain significance (1 of 4 stars; one submission).

Submission:

Labcorp Genetics (formerly Invitae), Labcorp
Classification: Uncertain significance. Last evaluated: 2025-07-21. Review status: criteria provided, single submitter. Criteria: Invitae Variant Classification Sherloc (09022015). Collection method: clinical testing. Allele origin: germline.
Comment: This variant, c.446_448del, results in the deletion of 1 amino acid(s) of the IL18BP protein (p.Ser149del), but otherwise preserves the integrity of the reading frame. This variant is present in population databases (rs749955452, gnomAD 0.02%). This variant has not been reported in the literature in individuals affected with IL18BP-related conditions. ClinVar contains an entry for this variant (Variation ID: 2740754). Experimental studies and prediction algorithms are not available or were not evaluated, and the functional significance of this variant is currently unknown. In summary, the available evidence is currently insufficient to determine the role of this variant in disease. Therefore, it has been classified as a Variant of Uncertain Significance.